The following is an entry in ClinVar:

ClinVar aggregate classification (germline): Uncertain significance (1 of 4 stars; one submission).

Conditions:
Hyperphosphatasia with impaired intellectual development syndrome 2. Also called: Hyperphosphatasia with intellectual disability syndrome 2; GLYCOSYLPHOSPHATIDYLINOSITOL BIOSYNTHESIS DEFECT 6. Identifiers: Orphanet 247262, MedGen C3553637, MONDO:0013882, OMIM 614749.

Allele frequency attached by ClinVar (database versions not stated): gnomAD exomes below 0.00001.

Submission:

Labcorp Genetics (formerly Invitae), Labcorp
Classification: Uncertain significance for Hyperphosphatasia with impaired intellectual development syndrome 2. Last evaluated: 2023-05-23. Review status: criteria provided, single submitter. Criteria: Invitae Variant Classification Sherloc (09022015). Collection method: clinical testing. Allele origin: germline.
Comment: Advanced modeling of protein sequence and biophysical properties (such as structural, functional, and spatial information, amino acid conservation, physicochemical variation, residue mobility, and thermodynamic stability) performed at Invitae indicates that this missense variant is not expected to disrupt PIGO protein function. In summary, the available evidence is currently insufficient to determine the role of this variant in disease. Therefore, it has been classified as a Variant of Uncertain Significance. ClinVar contains an entry for this variant (Variation ID: 1491696). This variant has not been reported in the literature in individuals affected with PIGO-related conditions. This variant is not present in population databases (gnomAD no frequency). This sequence change replaces lysine, which is basic and polar, with arginine, which is basic and polar, at codon 415 of the PIGO protein (p.Lys415Arg).

NM_032634.4(PIGO):c.1244A>G (p.Lys415Arg)

Gene: PIGO (phosphatidylinositol glycan anchor biosynthesis class O; minus strand). Cytogenetic location: 9p13.3.
Variant type: single nucleotide variant.
Coding change: c.1244A>G on transcript NM_032634.4 (MANE Select); coding-DNA position 1244, A replaced by G.
Protein change: p.Lys415Arg; replaces lysine 415 with arginine.
Molecular consequence: missense variant.
Genome position (GRCh38, 1-based): chr9:35,092,643, T>C on the plus strand (A>G on the coding strand, the complement: PIGO is on the minus strand). VCF-style: chr9-35092643-T-C. GRCh37 (hg19) VCF-style: chr9-35092640-T-C.
Other names: c.1244A>G, p.Lys415Arg (NM_001201484.2, NM_152850.4); short protein forms K415R.
Identifiers: ClinVar variation 1491696 (VCV001491696.7), dbSNP rs1265730676, ClinGen allele CA373322496.